The following is an entry in ClinVar:

ClinVar aggregate classification (germline): Uncertain significance (1 of 4 stars; one submission).

Conditions:
Autosomal recessive limb-girdle muscular dystrophy type R18 (LGMDR18). Also called: Autosomal recessive limb-girdle muscular dystrophy type 2S; Limb-girdle muscular dystrophy, type 2S; MUSCULAR DYSTROPHY, LIMB-GIRDLE, AUTOSOMAL RECESSIVE 18. Identifiers: Orphanet 369840, MedGen C4517996, MONDO:0014144, OMIM 615356.

Allele frequency attached by ClinVar (database versions not stated): gnomAD exomes below 0.00001.
gnomAD v4.1: 2 of 1,613,572 alleles (0.00012%); highest among the groups gnomAD compares: Admixed American, 0.0017%; no homozygotes.

Submission:

Labcorp Genetics (formerly Invitae), Labcorp
Classification: Uncertain significance for Autosomal recessive limb-girdle muscular dystrophy type R18. Last evaluated: 2023-08-06. Review status: criteria provided, single submitter. Criteria: Invitae Variant Classification Sherloc (09022015). Collection method: clinical testing. Allele origin: germline.
Comment: This sequence change replaces glutamine, which is neutral and polar, with lysine, which is basic and polar, at codon 458 of the TRAPPC11 protein (p.Gln458Lys). This variant is present in population databases (rs751781092, gnomAD 0.003%). This variant has not been reported in the literature in individuals affected with TRAPPC11-related conditions. Advanced modeling of protein sequence and biophysical properties (such as structural, functional, and spatial information, amino acid conservation, physicochemical variation, residue mobility, and thermodynamic stability) performed at Invitae indicates that this missense variant is expected to disrupt TRAPPC11 protein function. In summary, the available evidence is currently insufficient to determine the role of this variant in disease. Therefore, it has been classified as a Variant of Uncertain Significance.

NM_021942.6(TRAPPC11):c.1372C>A (p.Gln458Lys)

Gene: TRAPPC11 (trafficking protein particle complex subunit 11; plus strand). Cytogenetic location: 4q35.1.
Variant type: single nucleotide variant.
Coding change: c.1372C>A on transcript NM_021942.6 (MANE Select); coding-DNA position 1372, C replaced by A.
Protein change: p.Gln458Lys; replaces glutamine 458 with lysine.
Molecular consequence: missense variant.
Genome position (GRCh38, 1-based): chr4:183,684,310, C>A. VCF-style: chr4-183684310-C-A. GRCh37 (hg19) VCF-style: chr4-184605463-C-A.
Other names: c.1372C>A, p.Gln458Lys (NM_199053.3); short protein forms Q458K.
Identifiers: ClinVar variation 2843954 (VCV002843954.3), dbSNP rs751781092, ClinGen allele CA3151901.